The following is an entry in ClinVar:

ClinVar aggregate classification (germline): Benign/Likely benign. Review status: criteria provided, multiple submitters, no conflicts (2 of 4 stars). 11 submissions from 11 submitters: Benign (5); Likely benign (5). 1 of the submissions does not count toward it. Last evaluated 2026-02-04.

Conditions:
Polycystic kidney disease 4 (PKD4). Also called: Autosomal Recessive Polycystic Kidney Disease – PKHD1; POLYCYSTIC KIDNEY AND HEPATIC DISEASE 1; POLYCYSTIC KIDNEY DISEASE, INFANTILE, TYPE I; PKD3; POLYCYSTIC KIDNEY DISEASE 4 WITH OR WITHOUT POLYCYSTIC LIVER DISEASE. Identifiers: MedGen C4540575, MONDO:0033004, OMIM 263200.
Autosomal recessive polycystic kidney disease (ARPKD). Also called: AR polycystic kidney disease. Identifiers: Orphanet 731, Orphanet 8378, MedGen C0085548, MeSH D017044, MONDO:0009889.

Allele frequency attached by ClinVar (database versions not stated): gnomAD 0.00758 and 0.00769; ESP Exome Variant Server 0.00853; TOPMed 0.00960; 1000 Genomes Project 30x 0.01015; gnomAD exomes 0.01073 and 0.01154; 1000 Genomes Project 0.01078; ExAC 0.01173.
gnomAD v4.1: 18,034 of 1,614,186 alleles (1.1%); highest among the groups gnomAD compares: South Asian, 3.6%; 209 homozygotes.

Submissions (11):

Labcorp Genetics (formerly Invitae), Labcorp
Classification: Benign for Autosomal recessive polycystic kidney disease. Last evaluated: 2026-02-04. Review status: criteria provided, single submitter. Criteria: Invitae Variant Classification Sherloc (09022015). Collection method: clinical testing. Allele origin: germline.

Blueprint Genetics
Classification: Likely benign. Last evaluated: 2024-11-26. Review status: criteria provided, single submitter. Criteria: ACMG Guidelines, 2015. Collection method: clinical testing. Allele origin: germline.

Mayo Clinic Laboratories, Mayo Clinic
Classification: Benign. Last evaluated: 2024-11-08. Review status: criteria provided, single submitter. Criteria: ACMG Guidelines, 2015. Collection method: clinical testing. Allele origin: germline. Observed: 6 variant alleles.
Comment: BS1, BS2, BP4, BP7

Department of Pathology and Laboratory Medicine, Sinai Health System
Classification: Benign for Polycystic kidney disease 4. Last evaluated: 2022-10-19. Review status: criteria provided, single submitter. Criteria: ACMG Guidelines, 2015. Collection method: clinical testing. Allele origin: germline. Affected: yes.

Fulgent Genetics
Classification: Likely benign for Polycystic kidney disease 4. Last evaluated: 2021-07-23. Review status: criteria provided, single submitter. Criteria: ACMG Guidelines, 2015. Collection method: clinical testing. Allele origin: unknown.

GeneDx
Classification: Likely benign. Last evaluated: 2020-12-07. Review status: criteria provided, single submitter. Criteria: GeneDx Variant Classification Process June 2021. Collection method: clinical testing. Allele origin: germline. Affected: yes.

Illumina Laboratory Services, Illumina
Classification: Likely benign for Polycystic kidney disease 4. Last evaluated: 2018-01-13. Review status: criteria provided, single submitter. Criteria: ICSL Variant Classification Criteria 13 December 2019. Collection method: clinical testing. Allele origin: germline.
Comment: This variant was observed in the ICSL laboratory as part of a predisposition screen in an ostensibly healthy population. It had not been previously curated by ICSL or reported in the Human Gene Mutation Database (HGMD: prior to June 1st, 2018), and was therefore a candidate for classification through an automated scoring system. Utilizing variant allele frequency, disease prevalence and penetrance estimates, and inheritance mode, an automated score was calculated to assess if this variant is too frequent to cause the disease. Based on the score and internal cut-off values, a variant classified as likely benign is not then subjected to further curation. The score for this variant resulted in a classification of likely benign for this disease.

Eurofins Ntd Llc (ga)
Classification: Benign. Last evaluated: 2015-03-02. Review status: criteria provided, single submitter. Criteria: EGL Classification Definitions 2015. Collection method: clinical testing. Allele origin: germline. Observed: 1 variant allele, 1 heterozygote.

Breakthrough Genomics
Classification: Likely benign. Review status: criteria provided, single submitter. Criteria: ACMG Guidelines, 2015. Collection method: not provided. Allele origin: germline. Inheritance: Autosomal recessive inheritance. Affected: yes.

PreventionGenetics, part of Exact Sciences
Classification: Benign. Review status: criteria provided, single submitter. Criteria: ACMG Guidelines, 2015. Collection method: clinical testing. Allele origin: germline.

Natera, Inc.
Classification: Benign for Autosomal recessive polycystic kidney disease. Last evaluated: 2017-05-11. Review status: no assertion criteria provided. Collection method: clinical testing. Allele origin: germline. Not counted in ClinVar's aggregate classification.

NM_138694.4(PKHD1):c.4035C>A (p.Gly1345=)

Gene: PKHD1 (PKHD1 ciliary IPT domain containing fibrocystin/polyductin; minus strand). Cytogenetic location: 6p12.2.
Variant type: single nucleotide variant.
Coding change: c.4035C>A on transcript NM_138694.4 (MANE Select); coding-DNA position 4035, C replaced by A.
Protein change: p.Gly1345=; no amino-acid change (glycine 1345 retained).
Molecular consequence: synonymous variant.
Genome position (GRCh38, 1-based): chr6:52,025,775, G>T on the plus strand (C>A on the coding strand, the complement: PKHD1 is on the minus strand). VCF-style: chr6-52025775-G-T. GRCh37 (hg19) VCF-style: chr6-51890573-G-T.
Other names: p.Gly1345=; c.4035C>A, p.Gly1345= (NM_170724.3).
Identifiers: ClinVar variation 196803 (VCV000196803.32), dbSNP rs140791735, ClinGen allele CA202594.
Genomic context (GRCh38, chr6:52,025,775, plus strand): 5'-AGGATAGATGCCAGCCTCCAGACTGTGAAGAGGGATGGAGCATCCAGACAGGCTCACGTT[G>T]CCCTGGAAGGACTGTGTCTCAACATCACAGTTCAGGTTCCCCAGAAGGATGACTGAGTTG-3'
Protein context (NP_619639.3, residues 1335-1355): NCDVETQSFQ[Gly1345=]NVSLSGCSIP